The following is an entry in ClinVar:

NM_177438.3(DICER1):c.4813C>T (p.Pro1605Ser)

Gene: DICER1 (dicer 1, ribonuclease III; minus strand). Cytogenetic location: 14q32.13.
Variant type: single nucleotide variant.
Coding change: c.4813C>T on transcript NM_177438.3 (MANE Select); coding-DNA position 4813, C replaced by T.
Protein change: p.Pro1605Ser; replaces proline 1605 with serine.
Molecular consequence: missense variant. On other transcripts: non-coding transcript variant (6).
Genome position (GRCh38, 1-based): chr14:95,096,107, G>A on the plus strand (C>T on the coding strand, the complement: DICER1 is on the minus strand). VCF-style: chr14-95096107-G-A. GRCh37 (hg19) VCF-style: chr14-95562444-G-A.
Other names: c.4813C>T, p.Pro1605Ser (NM_001195573.1, NM_001271282.3, NM_001291628.2 and 12 more transcripts); c.4531C>T, p.Pro1511Ser (NM_001395686.1); c.4408C>T, p.Pro1470Ser (NM_001395687.1, NM_001395688.1, NM_001395689.1 and 2 more transcripts); c.4246C>T, p.Pro1416Ser (NM_001395691.1); c.3130C>T, p.Pro1044Ser (NM_001395697.1); short protein forms P1044S, P1605S, P1511S, P1416S, P1470S.
Identifiers: ClinVar variation 3638301 (VCV003638301.2).

ClinVar aggregate classification (germline): Uncertain significance (1 of 4 stars; one submission).

Conditions:
DICER1-related tumor predisposition. Also called: DICER1-related pleuropulmonary blastoma cancer predisposition syndrome; DICER1 syndrome. Identifiers: Orphanet 284343, MedGen C3839822, MONDO:0100216.

Submission:

Labcorp Genetics (formerly Invitae), Labcorp
Classification: Uncertain significance for DICER1-related tumor predisposition. Last evaluated: 2024-02-02. Review status: criteria provided, single submitter. Criteria: Invitae Variant Classification Sherloc (09022015). Collection method: clinical testing. Allele origin: germline.
Comment: This sequence change replaces proline, which is neutral and non-polar, with serine, which is neutral and polar, at codon 1605 of the DICER1 protein (p.Pro1605Ser). This variant is not present in population databases (gnomAD no frequency). This variant has not been reported in the literature in individuals affected with DICER1-related conditions. Algorithms developed to predict the effect of missense changes on protein structure and function output the following: SIFT: "Not Available"; PolyPhen-2: "Benign"; Align-GVGD: "Not Available". The serine amino acid residue is found in multiple mammalian species, which suggests that this missense change does not adversely affect protein function. In summary, the available evidence is currently insufficient to determine the role of this variant in disease. Therefore, it has been classified as a Variant of Uncertain Significance.